The following is an entry in ClinVar:

NM_007215.4(POLG2):c.796-2A>G

Genes: MILR1 (mast cell immunoglobulin like receptor 1; plus strand), POLG2 (DNA polymerase gamma 2, accessory subunit; minus strand). Cytogenetic location: 17q23.3.
Variant type: single nucleotide variant.
Coding change: c.796-2A>G on transcript NM_007215.4 (MANE Select); the canonical splice acceptor site of the intron before coding-DNA position 796, A replaced by G.
Molecular consequence: splice acceptor variant.
Genome position (GRCh38, 1-based): chr17:64,490,971, T>C on the plus strand (A>G on the coding strand, the complement: POLG2 is on the minus strand). VCF-style: chr17-64490971-T-C. GRCh37 (hg19) VCF-style: chr17-62487088-T-C.
Other names: c.796-2A>G (NM_007215.3).
Identifiers: ClinVar variation 1318948 (VCV001318948.8), dbSNP rs2144187906, ClinGen allele CA400638794.

ClinVar aggregate classification (germline): Conflicting classifications of pathogenicity. Review status: criteria provided, conflicting classifications (1 of 4 stars). 3 submissions from 3 submitters: Pathogenic (1); Uncertain significance (2). Last evaluated 2025-04-29.

Allele frequency attached by ClinVar (database versions not stated): gnomAD exomes below 0.00001.
gnomAD v4.1: 1 of 1,611,372 alleles (0.000062%); highest among the groups gnomAD compares: Non-Finnish European, 0.000085%; no homozygotes.

Submissions (3):

Revvity Omics, Revvity
Classification: Uncertain significance. Last evaluated: 2025-04-29. Review status: criteria provided, single submitter. Criteria: ACMG Guidelines, 2015. Collection method: clinical testing. Allele origin: germline.

Labcorp Genetics (formerly Invitae), Labcorp
Classification: Pathogenic. Last evaluated: 2023-03-24. Review status: criteria provided, single submitter. Criteria: Invitae Variant Classification Sherloc (09022015). Collection method: clinical testing. Allele origin: germline.
Comment: For these reasons, this variant has been classified as Pathogenic. Algorithms developed to predict the effect of sequence changes on RNA splicing suggest that this variant may disrupt the consensus splice site. ClinVar contains an entry for this variant (Variation ID: 1318948). This sequence change affects an acceptor splice site in intron 3 of the POLG2 gene. It is expected to disrupt RNA splicing. Variants that disrupt the donor or acceptor splice site typically lead to a loss of protein function (PMID: 16199547), and loss-of-function variants in POLG2 are known to be pathogenic (PMID: 28078310, 29625556). This variant is not present in population databases (gnomAD no frequency). Disruption of this splice site has been observed in individual(s) with progressive external ophthalmoplegia with mitochondrial DNA deletions (Invitae). It has also been observed to segregate with disease in related individuals.

GeneDx
Classification: Uncertain significance. Last evaluated: 2019-01-31. Review status: criteria provided, single submitter. Criteria: GeneDx Variant Classification Process June 2021. Collection method: clinical testing. Allele origin: germline. Affected: yes.
Comment: Not observed in large population cohorts (Lek et al., 2016); Destroys the canonical splice acceptor site in intron 3 and is predicted to cause abnormal gene splicing. In the absence of RNA/functional studies, the actual effect of this sequence change is unknown.; Has not been previously published as pathogenic or benign to our knowledge

Literature cited by the submitters: PubMed 16199547 (cited by Labcorp Genetics (formerly Invitae), Labcorp); PubMed 28078310 (cited by Labcorp Genetics (formerly Invitae), Labcorp); PubMed 29625556 (cited by Labcorp Genetics (formerly Invitae), Labcorp).